The following is an entry in ClinVar:

NM_018136.5(ASPM):c.2053G>A (p.Ala685Thr)

Gene: ASPM (assembly factor for spindle microtubules; minus strand). Cytogenetic location: 1q31.3.
Variant type: single nucleotide variant.
Coding change: c.2053G>A on transcript NM_018136.5 (MANE Select); coding-DNA position 2053, G replaced by A.
Protein change: p.Ala685Thr; replaces alanine 685 with threonine.
Molecular consequence: missense variant.
Genome position (GRCh38, 1-based): chr1:197,135,216, C>T on the plus strand (G>A on the coding strand, the complement: ASPM is on the minus strand). VCF-style: chr1-197135216-C-T. GRCh37 (hg19) VCF-style: chr1-197104346-C-T.
Other names: c.2053G>A, p.Ala685Thr (NM_001206846.2); short protein forms A685T.
Identifiers: ClinVar variation 1420302 (VCV001420302.6), dbSNP rs2125110399, ClinGen allele CA344010650.

ClinVar aggregate classification (germline): Uncertain significance (1 of 4 stars; one submission).

Allele frequency attached by ClinVar (database versions not stated): gnomAD exomes below 0.00001.
gnomAD v4.1: 1 of 1,613,970 alleles (0.000062%); highest among the groups gnomAD compares: Non-Finnish European, 0.000085%; no homozygotes.

Submission:

Labcorp Genetics (formerly Invitae), Labcorp
Classification: Uncertain significance. Last evaluated: 2022-10-18. Review status: criteria provided, single submitter. Criteria: Invitae Variant Classification Sherloc (09022015). Collection method: clinical testing. Allele origin: germline.
Comment: ClinVar contains an entry for this variant (Variation ID: 1420302). In summary, the available evidence is currently insufficient to determine the role of this variant in disease. Therefore, it has been classified as a Variant of Uncertain Significance. Advanced modeling of protein sequence and biophysical properties (such as structural, functional, and spatial information, amino acid conservation, physicochemical variation, residue mobility, and thermodynamic stability) has been performed at Invitae for this missense variant, however the output from this modeling did not meet the statistical confidence thresholds required to predict the impact of this variant on ASPM protein function. This variant has not been reported in the literature in individuals affected with ASPM-related conditions. This variant is not present in population databases (gnomAD no frequency). This sequence change replaces alanine, which is neutral and non-polar, with threonine, which is neutral and polar, at codon 685 of the ASPM protein (p.Ala685Thr).